The following is an entry in ClinVar:

ClinVar aggregate classification (germline): Pathogenic (1 of 4 stars; one submission).

Conditions:
Biotin-responsive basal ganglia disease (BTBGD). Also called: Thiamine Transporter-2 Deficiency; Thiamine metabolism dysfunction syndrome 2 (biotin- or thiamine-responsive encephalopathy type 2); Thiamine metabolism dysfunction syndrome type 2; THIAMINE METABOLISM DYSFUNCTION SYNDROME 2 (BIOTIN- AND THIAMINE-RESPONSIVE TYPE); thiamine-responsive encephalopathy. Identifiers: Orphanet 199348, Orphanet 65284, MedGen C1843807, MONDO:0011841, OMIM 607483.

Submission:

Labcorp Genetics (formerly Invitae), Labcorp
Classification: Pathogenic for Biotin-responsive basal ganglia disease. Last evaluated: 2022-11-22. Review status: criteria provided, single submitter. Criteria: Invitae Variant Classification Sherloc (09022015). Collection method: clinical testing. Allele origin: germline.
Comment: For these reasons, this variant has been classified as Pathogenic. ClinVar contains an entry for this variant (Variation ID: 1073682). This variant has not been reported in the literature in individuals affected with SLC19A3-related conditions. This variant is not present in population databases (gnomAD no frequency). This sequence change creates a premature translational stop signal (p.Ile420Serfs*2) in the SLC19A3 gene. It is expected to result in an absent or disrupted protein product. Loss-of-function variants in SLC19A3 are known to be pathogenic (PMID: 23423671, 23482991).

Literature cited by the submitters: PubMed 23423671; PubMed 23482991.

NM_025243.4(SLC19A3):c.1257del (p.Ile420fs)

Gene: SLC19A3 (solute carrier family 19 member 3; minus strand). Cytogenetic location: 2q36.3.
Variant type: Deletion.
Coding change: c.1257del on transcript NM_025243.4 (MANE Select); coding-DNA position 1257, one base deleted (C; older notation c.1257delC).
Protein change: p.Ile420fs; shifts the reading frame from isoleucine 420.
Molecular consequence: frameshift variant.
Genome position (GRCh38, 1-based): chr2:227,688,223, G deleted on the plus strand (C on the coding strand, the reverse complement: SLC19A3 is on the minus strand); the first of 2 consecutive G bases (chr2:227,688,223-227,688,224); deleting either gives the same sequence. VCF-style (leftmost placement, unchanged base first): chr2-227688222-TG-T. GRCh37 (hg19) VCF-style: chr2-228552938-TG-T.
Other names: c.1257del, p.Ile420fs (NM_001371411.1, NM_001371412.1); c.1245del, p.Ile416fs (NM_001371413.1, NM_001371414.1); short protein forms I416fs, I420fs.
Identifiers: ClinVar variation 1073682 (VCV001073682.7), dbSNP rs2106318158, ClinGen allele CA2499215753.